The following is an entry in ClinVar:

NM_004369.4(COL6A3):c.347A>G (p.Asn116Ser)

Gene: COL6A3 (collagen type VI alpha 3 chain; minus strand). Cytogenetic location: 2q37.3.
Variant type: single nucleotide variant.
Coding change: c.347A>G on transcript NM_004369.4 (MANE Select); coding-DNA position 347, A replaced by G.
Protein change: p.Asn116Ser; replaces asparagine 116 with serine.
Molecular consequence: missense variant. On other transcripts: intron variant (4).
Genome position (GRCh38, 1-based): chr2:237,394,949, T>C on the plus strand (A>G on the coding strand, the complement: COL6A3 is on the minus strand). VCF-style: chr2-237394949-T-C. GRCh37 (hg19) VCF-style: chr2-238303592-T-C.
Other names: c.91+1778A>G (NM_057166.5, NM_057167.4, NM_057164.5 and 1 more transcripts); short protein forms N116S.
Identifiers: ClinVar variation 2035907 (VCV002035907.4), dbSNP rs2078394504, ClinGen allele CA351227408.

ClinVar aggregate classification (germline): Uncertain significance (1 of 4 stars; one submission).

Conditions:
Bethlem myopathy 1A. Also called: MYOPATHY, BENIGN CONGENITAL, WITH CONTRACTURES; Bethlem Muscular Dystrophy; Bethlem myopathy 1. Identifiers: Orphanet 610, MedGen CN029274, MONDO:0024530, OMIM 158810.

Allele frequency attached by ClinVar (database versions not stated): TOPMed below 0.00001.

Submission:

Labcorp Genetics (formerly Invitae), Labcorp
Classification: Uncertain significance for Bethlem myopathy 1A. Last evaluated: 2022-06-09. Review status: criteria provided, single submitter. Criteria: Invitae Variant Classification Sherloc (09022015). Collection method: clinical testing. Allele origin: germline.
Comment: In summary, the available evidence is currently insufficient to determine the role of this variant in disease. Therefore, it has been classified as a Variant of Uncertain Significance. Advanced modeling of protein sequence and biophysical properties (such as structural, functional, and spatial information, amino acid conservation, physicochemical variation, residue mobility, and thermodynamic stability) performed at Invitae indicates that this missense variant is not expected to disrupt COL6A3 protein function. This variant has not been reported in the literature in individuals affected with COL6A3-related conditions. This variant is not present in population databases (gnomAD no frequency). This sequence change replaces asparagine, which is neutral and polar, with serine, which is neutral and polar, at codon 116 of the COL6A3 protein (p.Asn116Ser).